The following is an entry in ClinVar:

NM_016417.3(GLRX5):c.98_116dup (p.Gly40fs)

Gene: GLRX5 (glutaredoxin 5; plus strand). Cytogenetic location: 14q32.13.
Variant type: Duplication.
Coding change: c.98_116dup on transcript NM_016417.3 (MANE Select); coding-DNA positions 98 to 116, 19 bases duplicated (GCTCGGGCGCGGGCGGCGG).
Protein change: p.Gly40fs; shifts the reading frame from glycine 40.
Molecular consequence: frameshift variant.
Genome position (GRCh38, 1-based): chr14:95,535,187-95,535,205, GCTCGGGCGCGGGCGGCGG duplicated; duplicating any 19 consecutive bases within chr14:95,535,176-95,535,205 gives the same sequence; the c. name uses the placement nearest the transcript's 3' end. VCF-style (leftmost placement, unchanged base first): chr14-95535175-T-TGCGGGCGGCGGGCTCGGGC. GRCh37 (hg19) VCF-style: chr14-96001512-T-TGCGGGCGGCGGGCTCGGGC.
Other names: short protein forms G40fs.
Identifiers: ClinVar variation 4691653 (VCV004691653.3).

ClinVar aggregate classification (germline): Conflicting classifications of pathogenicity. Review status: criteria provided, conflicting classifications (1 of 4 stars). 3 submissions from 3 submitters: Likely pathogenic (2); Uncertain significance (1). Last evaluated 2025-10-01.

Conditions:
Spasticity-ataxia-gait anomalies syndrome. Also called: Spasticity, childhood-onset, with hyperglycinemia. Identifiers: Orphanet 401866, MedGen C4225178, MONDO:0014803, OMIM 616859.
Sideroblastic anemia 3. Also called: Sideroblastic anemia 3, pyridoxine-refractory. Identifiers: Orphanet 255132, MedGen C4225155, MONDO:0014804, OMIM 616860.
GLRX5-related disorder. Also called: GLRX5-related condition.

Submissions (3):

Labcorp Genetics (formerly Invitae), Labcorp
Classification: Uncertain significance. Last evaluated: 2025-10-01. Review status: criteria provided, single submitter. Criteria: Invitae Variant Classification Sherloc (09022015). Collection method: clinical testing. Allele origin: germline.
Comment: This sequence change creates a premature translational stop signal (p.Gly40Leufs*68) in the GLRX5 gene. While this is not anticipated to result in nonsense mediated decay, it is expected to disrupt the last 118 amino acid(s) of the GLRX5 protein. This variant is not present in population databases (gnomAD no frequency). This variant has not been reported in the literature in individuals affected with GLRX5-related conditions. In summary, the available evidence is currently insufficient to determine the role of this variant in disease. Therefore, it has been classified as a Variant of Uncertain Significance.

First Genomix Gene Laboratory, Genetic Diagnostics Department
Classification: Likely pathogenic for Sideroblastic anemia 3; Spasticity-ataxia-gait anomalies syndrome. Last evaluated: 2025-06-20. Review status: criteria provided, single submitter. Criteria: ACMG Guidelines, 2015. Collection method: clinical testing. Allele origin: germline. Inheritance: Autosomal recessive inheritance. Affected: no. Observed: 1 variant allele.

Blueprint Genetics
Classification: Likely pathogenic for GLRX5-related disorders. Last evaluated: 2024-07-05. Review status: criteria provided, single submitter. Criteria: ACMG Guidelines, 2015. Collection method: clinical testing. Allele origin: germline. Affected: yes. Observed: 5 variant alleles.